The following is an entry in ClinVar:

NM_000334.4(SCN4A):c.2861C>T (p.Pro954Leu)

Genes: GH-LCR (growth hormone locus control region; plus strand), SCN4A (sodium voltage-gated channel alpha subunit 4; minus strand). Cytogenetic location: 17q23.3.
Variant type: single nucleotide variant.
Coding change: c.2861C>T on transcript NM_000334.4 (MANE Select); coding-DNA position 2861, C replaced by T.
Protein change: p.Pro954Leu; replaces proline 954 with leucine.
Molecular consequence: missense variant.
Genome position (GRCh38, 1-based): chr17:63,949,521, G>A on the plus strand (C>T on the coding strand, the complement: SCN4A is on the minus strand). VCF-style: chr17-63949521-G-A. GRCh37 (hg19) VCF-style: chr17-62026881-G-A.
Other names: short protein forms P954L.
Identifiers: ClinVar variation 511129 (VCV000511129.15), dbSNP rs201367621, ClinGen allele CA8709460.

ClinVar aggregate classification (germline): Conflicting classifications of pathogenicity. Review status: criteria provided, conflicting classifications (1 of 4 stars). 5 submissions from 5 submitters: Uncertain significance (1); Likely benign (4). Last evaluated 2025-11-22.

Conditions:
Inborn genetic diseases. Identifiers: MedGen C0950123, MeSH D030342.
Hyperkalemic periodic paralysis. Also called: Familial hyperkalemic periodic paralysis; Gamstorp disease. Identifiers: Orphanet 682, MedGen C0238357, MONDO:0008224, OMIM 170500, HP:0007215.
SCN4A-related disorder. Also called: SCN4A-related disorders.

Allele frequency attached by ClinVar (database versions not stated): gnomAD 0.00002 and 0.00003; TOPMed 0.00005; gnomAD exomes 0.00006 and 0.00014; ExAC 0.00015.

Submissions (5):

Labcorp Genetics (formerly Invitae), Labcorp
Classification: Likely benign for Hyperkalemic periodic paralysis. Last evaluated: 2025-11-22. Review status: criteria provided, single submitter. Criteria: Invitae Variant Classification Sherloc (09022015). Collection method: clinical testing. Allele origin: germline.

Ambry Genetics
Classification: Likely benign for Inborn genetic diseases. Last evaluated: 2024-05-30. Review status: criteria provided, single submitter. Criteria: Ambry Variant Classification Scheme 2023. Collection method: clinical testing. Allele origin: germline.

Revvity Omics, Revvity
Classification: Likely benign. Last evaluated: 2023-11-01. Review status: criteria provided, single submitter. Criteria: ACMG Guidelines, 2015. Collection method: clinical testing. Allele origin: germline.

PreventionGenetics, part of Exact Sciences
Classification: Uncertain significance for SCN4A-related condition. Last evaluated: 2023-05-24. Review status: criteria provided, single submitter. Criteria: ACMG Guidelines, 2015. Collection method: clinical testing. Allele origin: germline.
Comment: The SCN4A c.2861C>T variant is predicted to result in the amino acid substitution p.Pro954Leu. To our knowledge, this variant has not been reported in the literature. This variant is reported in 0.056% of alleles in individuals of South Asian descent in gnomAD, indicating it may be too common to be causative for an autosomal dominant disorder. At this time, the clinical significance of this variant is uncertain due to the absence of conclusive functional and genetic evidence.

GeneDx
Classification: Likely benign. Last evaluated: 2020-01-13. Review status: criteria provided, single submitter. Criteria: GeneDx Variant Classification Process June 2021. Collection method: clinical testing. Allele origin: germline. Affected: yes.